The following is an entry in ClinVar:

ClinVar aggregate classification (germline): Likely pathogenic (1 of 4 stars; one submission).

Submission:

Labcorp Genetics (formerly Invitae), Labcorp
Classification: Likely pathogenic. Last evaluated: 2025-06-02. Review status: criteria provided, single submitter. Criteria: Invitae Variant Classification Sherloc (09022015). Collection method: clinical testing. Allele origin: germline.
Comment: This sequence change affects a donor splice site in intron 16 of the DCHS1 gene. It is expected to disrupt RNA splicing. Variants that disrupt the donor or acceptor splice site typically lead to a loss of protein function (PMID: 16199547), and loss-of-function variants in DCHS1 are known to be pathogenic (PMID: 24056717, 26258302). This variant is not present in population databases (gnomAD no frequency). This variant has not been reported in the literature in individuals affected with DCHS1-related conditions. ClinVar contains an entry for this variant (Variation ID: 2110510). Algorithms developed to predict the effect of sequence changes on RNA splicing suggest that this variant may disrupt the consensus splice site. In summary, the currently available evidence indicates that the variant is pathogenic, but additional data are needed to prove that conclusively. Therefore, this variant has been classified as Likely Pathogenic.

Literature cited by the submitters: PubMed 16199547; PubMed 24056717; PubMed 26258302.

NM_003737.4(DCHS1):c.6576+1G>T

Gene: DCHS1 (dachsous cadherin-related 1; minus strand). Cytogenetic location: 11p15.4.
Variant type: single nucleotide variant.
Coding change: c.6576+1G>T on transcript NM_003737.4 (MANE Select); the canonical splice donor site of the intron after coding-DNA position 6576, G replaced by T.
Molecular consequence: splice donor variant.
Genome position (GRCh38, 1-based): chr11:6,626,168, C>A on the plus strand (G>T on the coding strand, the complement: DCHS1 is on the minus strand). VCF-style: chr11-6626168-C-A. GRCh37 (hg19) VCF-style: chr11-6647399-C-A.
Identifiers: ClinVar variation 2110510 (VCV002110510.4), dbSNP rs2493816487, ClinGen allele CA379387838.